The following is an entry in ClinVar:

NM_018699.4(PRDM5):c.1805C>T (p.Ala602Val)

Gene: PRDM5 (PR/SET domain 5; minus strand). Cytogenetic location: 4q27.
Variant type: single nucleotide variant.
Coding change: c.1805C>T on transcript NM_018699.4 (MANE Select); coding-DNA position 1805, C replaced by T.
Protein change: p.Ala602Val; replaces alanine 602 with valine.
Molecular consequence: missense variant. On other transcripts: 3 prime UTR variant (1).
Genome position (GRCh38, 1-based): chr4:120,695,199, G>A on the plus strand (C>T on the coding strand, the complement: PRDM5 is on the minus strand). VCF-style: chr4-120695199-G-A. GRCh37 (hg19) VCF-style: chr4-121616354-G-A.
Other names: c.1712C>T, p.Ala571Val (NM_001300823.2); c.*120C>T (NM_001300824.2); c.1838C>T, p.Ala613Val (NM_001379104.1); c.1607C>T, p.Ala536Val (NM_001379106.1); short protein forms A571V, A536V, A613V, A602V.
Identifiers: ClinVar variation 3937792 (VCV003937792.1).

ClinVar aggregate classification (germline): Uncertain significance (1 of 4 stars; one submission).

Conditions:
Cardiovascular phenotype. Identifiers: MedGen CN230736.

Submission:

Ambry Genetics
Classification: Uncertain significance for Cardiovascular phenotype. Last evaluated: 2025-05-05. Review status: criteria provided, single submitter. Criteria: Ambry Variant Classification Scheme 2023. Collection method: clinical testing. Allele origin: germline.
Comment: The p.A602V variant (also known as c.1805C>T), located in coding exon 16 of the PRDM5 gene, results from a C to T substitution at nucleotide position 1805. The alanine at codon 602 is replaced by valine, an amino acid with similar properties. This amino acid position is conserved. In addition, the in silico prediction for this alteration is inconclusive. Based on the available evidence, the clinical significance of this variant remains unclear.